The following is an entry in ClinVar:

ClinVar aggregate classification (germline): Uncertain significance. Review status: criteria provided, multiple submitters, no conflicts (2 of 4 stars). 2 submissions from 2 submitters: Uncertain significance (2). Last evaluated 2023-12-22.

Submissions (2):

Labcorp Genetics (formerly Invitae), Labcorp
Classification: Uncertain significance. Last evaluated: 2023-12-22. Review status: criteria provided, single submitter. Criteria: Invitae Variant Classification Sherloc (09022015). Collection method: clinical testing. Allele origin: germline.
Comment: This sequence change results in a frameshift in the CWC27 gene (p.Glu470Lysfs*4). While this is not anticipated to result in nonsense mediated decay, it is expected to disrupt the last 3 amino acid(s) of the CWC27 protein. This variant is not present in population databases (gnomAD no frequency). This variant has not been reported in the literature in individuals affected with CWC27-related conditions. Experimental studies and prediction algorithms are not available or were not evaluated, and the functional significance of this variant is currently unknown. In summary, the available evidence is currently insufficient to determine the role of this variant in disease. Therefore, it has been classified as a Variant of Uncertain Significance.

Blueprint Genetics
Classification: Uncertain significance. Last evaluated: 2020-02-21. Review status: criteria provided, single submitter. Criteria: ACMG Guidelines, 2015. Collection method: clinical testing. Allele origin: germline.

NM_005869.4(CWC27):c.1407_1411del (p.Glu470fs)

Gene: CWC27 (CWC27 spliceosome associated cyclophilin; plus strand). Cytogenetic location: 5q12.3.
Variant type: Deletion.
Coding change: c.1407_1411del on transcript NM_005869.4 (MANE Select); coding-DNA positions 1407 to 1411, 5 bases deleted (AGAAA; older notation c.1407_1411delAGAAA).
Protein change: p.Glu470fs; shifts the reading frame from glutamic acid 470.
Molecular consequence: frameshift variant. On other transcripts: 3 prime UTR variant (1).
Genome position (GRCh38, 1-based): chr5:65,018,309-65,018,313, AGAAA deleted; deleting any 5 consecutive bases within chr5:65,018,306-65,018,313 gives the same sequence; the c. name uses the placement nearest the transcript's 3' end. VCF-style (leftmost placement, unchanged base first): chr5-65018305-AAAAAG-A. GRCh37 (hg19) VCF-style: chr5-64314132-AAAAAG-A.
Other names: c.*127_*131del (NM_001297644.1); short protein forms E470fs.
Identifiers: ClinVar variation 2704800 (VCV002704800.4), dbSNP rs2531581543, ClinGen allele CA2697547191.
Genomic context (GRCh38, chr5:65,018,305, plus strand): 5'-ATCCTCGGAATCCAGTGAATAAAAGAAGGAGGGAAGAAAGCAAAAAGCTGATGAGAGAGA[AAAAAG>A]AAAGAAGATAAAATGAGAATAATGATAACCAGAACTTGCTGGAAATGTGCCTACAATGGC-3'